The following is an entry in ClinVar:

ClinVar aggregate classification (germline): Uncertain significance (1 of 4 stars; one submission).

Conditions:
Baller-Gerold syndrome (BGS). Also called: CRANIOSYNOSTOSIS WITH RADIAL DEFECTS. Identifiers: Orphanet 1225, MedGen C0265308, MONDO:0009039, OMIM 218600.

Submission:

Labcorp Genetics (formerly Invitae), Labcorp
Classification: Uncertain significance for Baller-Gerold syndrome. Last evaluated: 2020-10-14. Review status: criteria provided, single submitter. Criteria: Invitae Variant Classification Sherloc (09022015). Collection method: clinical testing. Allele origin: germline.
Comment: This sequence change replaces glutamine with proline at codon 415 of the RECQL4 protein (p.Gln415Pro). The glutamine residue is highly conserved and there is a moderate physicochemical difference between glutamine and proline. In summary, the available evidence is currently insufficient to determine the role of this variant in disease. Therefore, it has been classified as a Variant of Uncertain Significance. Experimental studies and prediction algorithms are not available or were not evaluated, and the functional significance of this variant is currently unknown. This variant has not been reported in the literature in individuals with RECQL4-related conditions. This variant is not present in population databases (ExAC no frequency).

NM_004260.4(RECQL4):c.1244A>C (p.Gln415Pro)

Gene: RECQL4 (RecQ like helicase 4; minus strand). Cytogenetic location: 8q24.3.
Variant type: single nucleotide variant.
Coding change: c.1244A>C on transcript NM_004260.4 (MANE Select); coding-DNA position 1244, A replaced by C.
Protein change: p.Gln415Pro; replaces glutamine 415 with proline.
Molecular consequence: missense variant.
Genome position (GRCh38, 1-based): chr8:144,515,778, T>G on the plus strand (A>C on the coding strand, the complement: RECQL4 is on the minus strand). VCF-style: chr8-144515778-T-G. GRCh37 (hg19) VCF-style: chr8-145741162-T-G.
Other names: short protein forms Q415P.
Identifiers: ClinVar variation 1020127 (VCV001020127.5), dbSNP rs1478973162, ClinGen allele CA372687272.